The following is an entry in ClinVar:

NM_005343.4(HRAS):c.302A>T (p.Lys101Ile)

Genes: HRAS (HRas proto-oncogene, GTPase; minus strand), LRRC56 (leucine rich repeat containing 56; plus strand). Cytogenetic location: 11p15.5.
Variant type: single nucleotide variant.
Coding change: c.302A>T on transcript NM_005343.4 (MANE Select); coding-DNA position 302, A replaced by T.
Protein change: p.Lys101Ile; replaces lysine 101 with isoleucine.
Molecular consequence: missense variant. On other transcripts: 5 prime UTR variant (1).
Genome position (GRCh38, 1-based): chr11:533,601, T>A on the plus strand (A>T on the coding strand, the complement: HRAS is on the minus strand). VCF-style: chr11-533601-T-A. GRCh37 (hg19) VCF-style: chr11-533601-T-A.
Other names: c.302A>T, p.Lys101Ile (NM_001130442.3, NM_176795.5); c.-18A>T (NM_001318054.2); short protein forms K101I.
Identifiers: ClinVar variation 1799008 (VCV001799008.2), dbSNP rs1131691997, ClinGen allele CA378923961.

ClinVar aggregate classification (germline): Uncertain significance (1 of 4 stars; one submission).

Conditions:
Cardiovascular phenotype. Identifiers: MedGen CN230736.

Submission:

Ambry Genetics
Classification: Uncertain significance for Cardiovascular phenotype. Last evaluated: 2021-07-22. Review status: criteria provided, single submitter. Criteria: Ambry Variant Classification Scheme 2023. Collection method: clinical testing. Allele origin: germline.
Comment: The p.K101I variant (also known as c.302A>T), located in coding exon 3 of the HRAS gene, results from an A to T substitution at nucleotide position 302. The lysine at codon 101 is replaced by isoleucine, an amino acid with dissimilar properties. This amino acid position is conserved. In addition, the in silico prediction for this alteration is inconclusive. Since supporting evidence is limited at this time, the clinical significance of this alteration remains unclear.